The following is an entry in ClinVar:

NM_000435.3(NOTCH3):c.3256G>C (p.Asp1086His)

Gene: NOTCH3 (notch receptor 3; minus strand). Cytogenetic location: 19p13.12.
Variant type: single nucleotide variant.
Coding change: c.3256G>C on transcript NM_000435.3 (MANE Select); coding-DNA position 3256, G replaced by C.
Protein change: p.Asp1086His; replaces aspartic acid 1086 with histidine.
Molecular consequence: missense variant.
Genome position (GRCh38, 1-based): chr19:15,180,143, C>G on the plus strand (G>C on the coding strand, the complement: NOTCH3 is on the minus strand). VCF-style: chr19-15180143-C-G. GRCh37 (hg19) VCF-style: chr19-15290954-C-G.
Other names: short protein forms D1086H.
Identifiers: ClinVar variation 4861138 (VCV004861138.1).

ClinVar aggregate classification (germline): Uncertain significance (1 of 4 stars; one submission).

Conditions:
Inborn genetic diseases. Identifiers: MedGen C0950123, MeSH D030342.

gnomAD v4.1: 5 of 1,613,046 alleles (0.00031%); highest among the groups gnomAD compares: Non-Finnish European, 0.00034%; no homozygotes.

Submission:

Ambry Genetics
Classification: Uncertain significance for Inborn genetic diseases. Last evaluated: 2026-05-12. Review status: criteria provided, single submitter. Criteria: Ambry Variant Classification Scheme 2023. Collection method: clinical testing. Allele origin: germline.
Comment: The c.3256G>C (p.D1086H) alteration is located in exon 20 (coding exon 20) of the NOTCH3 gene. This alteration results from a G to C substitution at nucleotide position 3256, causing the aspartic acid (D) at amino acid position 1086 to be replaced by a histidine (H). Based on data from gnomAD, the C allele has an overall frequency of <0.001% (1/251198) total alleles studied. The highest observed frequency was 0.001% (1/113580) of European (non-Finnish) alleles. Based on insufficient or conflicting evidence, the clinical significance of this alteration remains unclear.